The following is an entry in ClinVar:

NM_004523.4(KIF11):c.3039+3A>T

Gene: KIF11 (kinesin family member 11; plus strand). Cytogenetic location: 10q23.33.
Variant type: single nucleotide variant.
Coding change: c.3039+3A>T on transcript NM_004523.4 (MANE Select); 3 bases into the intron after coding-DNA position 3039, A replaced by T.
Molecular consequence: intron variant.
Genome position (GRCh38, 1-based): chr10:92,650,520, A>T. VCF-style: chr10-92650520-A-T. GRCh37 (hg19) VCF-style: chr10-94410277-A-T.
Identifiers: ClinVar variation 4810611 (VCV004810611.1).

ClinVar aggregate classification (germline): Uncertain significance (1 of 4 stars; one submission).

gnomAD v4.1: 1 of 1,486,840 alleles (0.000067%); highest among the groups gnomAD compares: East Asian, 0.0023%; no homozygotes.

Submission:

Labcorp Genetics (formerly Invitae), Labcorp
Classification: Uncertain significance. Last evaluated: 2025-12-17. Review status: criteria provided, single submitter. Criteria: Invitae Variant Classification Sherloc (09022015). Collection method: clinical testing. Allele origin: germline.
Comment: This sequence change falls in intron 21 of the KIF11 gene. It does not directly change the encoded amino acid sequence of the KIF11 protein. It affects a nucleotide within the consensus splice site. This variant is not present in population databases (gnomAD no frequency). This variant has not been reported in the literature in individuals affected with KIF11-related conditions. Variants that disrupt the consensus splice site are a relatively common cause of aberrant splicing (PMID: 17576681, 9536098). Algorithms developed to predict the effect of sequence changes on RNA splicing suggest that this variant may disrupt the consensus splice site. In summary, the available evidence is currently insufficient to determine the role of this variant in disease. Therefore, it has been classified as a Variant of Uncertain Significance.

Literature cited by the submitters: PubMed 17576681; PubMed 9536098.